The following is an entry in ClinVar:

NM_020117.11(LARS1):c.2342G>A (p.Trp781Ter)

Gene: LARS1 (leucyl-tRNA synthetase 1; minus strand). Cytogenetic location: 5q32.
Variant type: single nucleotide variant.
Coding change: c.2342G>A on transcript NM_020117.11 (MANE Select); coding-DNA position 2342, G replaced by A.
Protein change: p.Trp781Ter; replaces tryptophan 781 with a stop codon.
Molecular consequence: nonsense.
Genome position (GRCh38, 1-based): chr5:146,132,952, C>T on the plus strand (G>A on the coding strand, the complement: LARS1 is on the minus strand). VCF-style: chr5-146132952-C-T. GRCh37 (hg19) VCF-style: chr5-145512515-C-T.
Other names: c.2204G>A, p.Trp735Ter (NM_001317964.2); c.2180G>A, p.Trp727Ter (NM_001317965.2); c.2261G>A, p.Trp754Ter (NM_016460.4); short protein forms W735*, W754*, W781*, W727*.
Identifiers: ClinVar variation 4736046 (VCV004736046.1).

ClinVar aggregate classification (germline): Pathogenic (1 of 4 stars; one submission).

gnomAD v4.1: 3 of 1,614,126 alleles (0.00019%); highest among the groups gnomAD compares: South Asian, 0.0022%; no homozygotes.

Submission:

Labcorp Genetics (formerly Invitae), Labcorp
Classification: Pathogenic. Last evaluated: 2026-01-24. Review status: criteria provided, single submitter. Criteria: Invitae Variant Classification Sherloc (09022015). Collection method: clinical testing. Allele origin: germline.
Comment: This sequence change creates a premature translational stop signal (p.Trp781*) in the LARS gene. It is expected to result in an absent or disrupted protein product. Loss-of-function variants in LARS are known to be pathogenic (PMID: 32699352, 33300650). This variant is not present in population databases (gnomAD no frequency). This variant has not been reported in the literature in individuals affected with LARS-related conditions. Algorithms developed to predict the effect of sequence changes on RNA splicing suggest that this variant may disrupt the consensus splice site. For these reasons, this variant has been classified as Pathogenic.

Literature cited by the submitters: PubMed 32699352; PubMed 33300650.